The following is an entry in ClinVar:

NM_004974.4(KCNA2):c.595G>A (p.Gly199Arg)

Gene: KCNA2 (potassium voltage-gated channel subfamily A member 2; minus strand). Cytogenetic location: 1p13.3.
Variant type: single nucleotide variant.
Coding change: c.595G>A on transcript NM_004974.4 (MANE Select); coding-DNA position 595, G replaced by A.
Protein change: p.Gly199Arg; replaces glycine 199 with arginine.
Molecular consequence: missense variant.
Genome position (GRCh38, 1-based): chr1:110,604,188, C>T on the plus strand (G>A on the coding strand, the complement: KCNA2 is on the minus strand). VCF-style: chr1-110604188-C-T. GRCh37 (hg19) VCF-style: chr1-111146810-C-T.
Other names: c.595G>A, p.Gly199Arg (NM_001204269.2); short protein forms G199R.
Identifiers: ClinVar variation 3633593 (VCV003633593.2).

ClinVar aggregate classification (germline): Uncertain significance (1 of 4 stars; one submission).

Conditions:
Developmental and epileptic encephalopathy, 32 (DEE32). Also called: Epileptic encephalopathy, early infantile, 32. Identifiers: Orphanet 442835, MedGen C4225350, MONDO:0014607, OMIM 616366.

gnomAD v4.1: 1 of 1,614,196 alleles (0.000062%); highest among the groups gnomAD compares: Non-Finnish European, 0.000085%; no homozygotes.

Submission:

Labcorp Genetics (formerly Invitae), Labcorp
Classification: Uncertain significance for Developmental and epileptic encephalopathy, 32. Last evaluated: 2024-04-12. Review status: criteria provided, single submitter. Criteria: Invitae Variant Classification Sherloc (09022015). Collection method: clinical testing. Allele origin: germline.
Comment: This sequence change replaces glycine, which is neutral and non-polar, with arginine, which is basic and polar, at codon 199 of the KCNA2 protein (p.Gly199Arg). This variant is not present in population databases (gnomAD no frequency). This variant has not been reported in the literature in individuals affected with KCNA2-related conditions. Advanced modeling of protein sequence and biophysical properties (such as structural, functional, and spatial information, amino acid conservation, physicochemical variation, residue mobility, and thermodynamic stability) performed at Invitae indicates that this missense variant is not expected to disrupt KCNA2 protein function with a negative predictive value of 95%. In summary, the available evidence is currently insufficient to determine the role of this variant in disease. Therefore, it has been classified as a Variant of Uncertain Significance.